The following is an entry in ClinVar:

ClinVar aggregate classification (germline): Uncertain significance (1 of 4 stars; one submission).

Conditions:
Primary ciliary dyskinesia. Also called: Ciliary dyskinesia. Identifiers: Orphanet 244, MedGen C0008780, MONDO:0016575, HP:0012265.

Allele frequency attached by ClinVar (database versions not stated): gnomAD exomes below 0.00001.
gnomAD v4.1: 1 of 1,606,016 alleles (0.000062%); highest among the groups gnomAD compares: African/African-American, 0.0013%; no homozygotes.

Submission:

Labcorp Genetics (formerly Invitae), Labcorp
Classification: Uncertain significance for Primary ciliary dyskinesia. Last evaluated: 2023-11-27. Review status: criteria provided, single submitter. Criteria: Invitae Variant Classification Sherloc (09022015). Collection method: clinical testing. Allele origin: germline.
Comment: This sequence change replaces aspartic acid, which is acidic and polar, with glutamic acid, which is acidic and polar, at codon 2945 of the DNAH11 protein (p.Asp2945Glu). This variant is not present in population databases (gnomAD no frequency). This variant has not been reported in the literature in individuals affected with DNAH11-related conditions. ClinVar contains an entry for this variant (Variation ID: 1985330). Advanced modeling of protein sequence and biophysical properties (such as structural, functional, and spatial information, amino acid conservation, physicochemical variation, residue mobility, and thermodynamic stability) performed at Invitae indicates that this missense variant is not expected to disrupt DNAH11 protein function with a negative predictive value of 95%. In summary, the available evidence is currently insufficient to determine the role of this variant in disease. Therefore, it has been classified as a Variant of Uncertain Significance.

NM_001277115.2(DNAH11):c.8835C>G (p.Asp2945Glu)

Gene: DNAH11 (dynein axonemal heavy chain 11; plus strand). Cytogenetic location: 7p15.3.
Variant type: single nucleotide variant.
Coding change: c.8835C>G on transcript NM_001277115.2 (MANE Select); coding-DNA position 8835, C replaced by G.
Protein change: p.Asp2945Glu; replaces aspartic acid 2945 with glutamic acid.
Molecular consequence: missense variant.
Genome position (GRCh38, 1-based): chr7:21,750,259, C>G. VCF-style: chr7-21750259-C-G. GRCh37 (hg19) VCF-style: chr7-21789877-C-G.
Other names: c.8856C>G, p.Asp2952Glu (NM_003777.3); short protein forms D2952E, D2945E.
Identifiers: ClinVar variation 1985330 (VCV001985330.4), dbSNP rs1398439669, ClinGen allele CA366956116.